The following is an entry in ClinVar:

ClinVar aggregate classification (germline): Conflicting classifications of pathogenicity. Review status: criteria provided, conflicting classifications (1 of 4 stars). 3 submissions from 3 submitters: Uncertain significance (2); Likely benign (1). Last evaluated 2026-08-06.

Conditions:
Hereditary breast ovarian cancer syndrome. Also called: Breast and ovarian cancer; BRCA1- and BRCA2-Associated Hereditary Breast and Ovarian Cancer; Hereditary breast and ovarian cancer; Hereditary breast and ovarian cancer syndrome (HBOC); Hereditary breast and/or ovarian cancer syndrome; Hereditary breast and ovarian cancer syndrome. Identifiers: Orphanet 145, MedGen C0677776, MeSH D061325, MONDO:0003582. Disease mechanism: loss of function.
Monogenic short statue.
Hereditary cancer-predisposing syndrome. Also called: Tumor predisposition; Hereditary neoplastic syndrome; Neoplastic Syndromes, Hereditary; Hereditary Cancer Syndrome. Identifiers: Orphanet 140162, MedGen C0027672, MeSH D009386, MONDO:0015356.

Submissions (3):

NHS Central & South Genomic Laboratory Hub
Classification: Uncertain significance for Monogenic short statue. Last evaluated: 2026-08-06. Review status: criteria provided, single submitter. Criteria: ACMG Guidelines, 2015. Collection method: clinical testing. Allele origin: germline. Affected: yes.

Labcorp Genetics (formerly Invitae), Labcorp
Classification: Uncertain significance for Hereditary breast ovarian cancer syndrome. Last evaluated: 2025-07-23. Review status: criteria provided, single submitter. Criteria: Invitae Variant Classification Sherloc (09022015). Collection method: clinical testing. Allele origin: germline.
Comment: This sequence change replaces threonine, which is neutral and polar, with isoleucine, which is neutral and non-polar, at codon 1520 of the BRCA2 protein (p.Thr1520Ile). This variant is present in population databases (rs747993489, gnomAD 0.006%). This variant has not been reported in the literature in individuals affected with BRCA2-related conditions. ClinVar contains an entry for this variant (Variation ID: 946271). Invitae Evidence Modeling of protein sequence and biophysical properties (such as structural, functional, and spatial information, amino acid conservation, physicochemical variation, residue mobility, and thermodynamic stability) indicates that this missense variant is not expected to disrupt BRCA2 protein function with a negative predictive value of 95%. In summary, the available evidence is currently insufficient to determine the role of this variant in disease. Therefore, it has been classified as a Variant of Uncertain Significance.

University of Washington Department of Laboratory Medicine, University of Washington
Classification: Likely benign for Hereditary cancer-predisposing syndrome. Last evaluated: 2023-03-23. Review status: criteria provided, single submitter. Criteria: Dines et al. (Genet Med. 2020). Collection method: curation. Allele origin: germline.
Comment: Missense variant in a coldspot region where missense variants are very unlikely to be pathogenic (PMID:31911673).

BRCA2 exon 11 coldspot. Reclassification based on statistical prior probability.

NM_000059.4(BRCA2):c.4559C>T (p.Thr1520Ile)

Gene: BRCA2 (BRCA2 DNA repair associated; plus strand). Cytogenetic location: 13q13.1.
Variant type: single nucleotide variant.
Coding change: c.4559C>T on transcript NM_000059.4 (MANE Select); coding-DNA position 4559, C replaced by T.
Protein change: p.Thr1520Ile; replaces threonine 1520 with isoleucine.
Molecular consequence: missense variant.
Genome position (GRCh38, 1-based): chr13:32,338,914, C>T. VCF-style: chr13-32338914-C-T. GRCh37 (hg19) VCF-style: chr13-32913051-C-T.
Other names: short protein forms T1520I.
Identifiers: ClinVar variation 946271 (VCV000946271.12), dbSNP rs747993489, ClinGen allele CA6940791.